The following is an entry in ClinVar:

NM_001085487.3(MYSM1):c.1531A>G (p.Asn511Asp)

Gene: MYSM1 (Myb like, SWIRM and MPN domains 1; minus strand). Cytogenetic location: 1p32.1.
Variant type: single nucleotide variant.
Coding change: c.1531A>G on transcript NM_001085487.3 (MANE Select); coding-DNA position 1531, A replaced by G.
Protein change: p.Asn511Asp; replaces asparagine 511 with aspartic acid.
Molecular consequence: missense variant.
Genome position (GRCh38, 1-based): chr1:58,673,614, T>C on the plus strand (A>G on the coding strand, the complement: MYSM1 is on the minus strand). VCF-style: chr1-58673614-T-C. GRCh37 (hg19) VCF-style: chr1-59139286-T-C.
Other names: c.1531A>G (NM_001085487.2); short protein forms N511D.
Identifiers: ClinVar variation 1503165 (VCV001503165.7), dbSNP rs749287506, ClinGen allele CA877770.
Genomic context (GRCh38, chr1:58,673,614, plus strand): 5'-TTTGAAAGGTCAAAGTTACCTCAAACGTTTGTCCTTCTAAGTCCTTTGCATCACACCAGT[T>C]TCCCCATGGGTCTCGGACCCTACGTCTCCTTGTACGCTGCGATGAGATTAAAGTAAAGCA-3'
Protein context (NP_001078956.1, residues 501-521): RRRRVRDPWG[Asn511Asp]WCDAKDLEGQ

ClinVar aggregate classification (germline): Uncertain significance. Review status: criteria provided, multiple submitters, no conflicts (2 of 4 stars). 3 submissions from 3 submitters: Uncertain significance (3). Last evaluated 2025-04-17.

Conditions:
Inborn genetic diseases. Identifiers: MedGen C0950123, MeSH D030342.
Bone marrow failure syndrome 4. Identifiers: MedGen C4748257, MONDO:0020856, OMIM 618116.

Allele frequency attached by ClinVar (database versions not stated): gnomAD exomes 0.00002 and 0.00003; TOPMed 0.00003; ExAC 0.00002; gnomAD 0.00002.
gnomAD v4.1: 39 of 1,613,974 alleles (0.0024%); highest among the groups gnomAD compares: Middle Eastern, 0.016%; no homozygotes.

Submissions (3):

Ambry Genetics
Classification: Uncertain significance for Inborn genetic diseases. Last evaluated: 2025-04-17. Review status: criteria provided, single submitter. Criteria: Ambry Variant Classification Scheme 2023. Collection method: clinical testing. Allele origin: germline.

Department of Pathology and Laboratory Medicine, Sinai Health System
Classification: Uncertain significance for Bone marrow failure syndrome 4. Last evaluated: 2023-02-24. Review status: criteria provided, single submitter. Criteria: ACMG Guidelines, 2015. Collection method: research. Allele origin: germline.

Labcorp Genetics (formerly Invitae), Labcorp
Classification: Uncertain significance. Last evaluated: 2022-04-17. Review status: criteria provided, single submitter. Criteria: Invitae Variant Classification Sherloc (09022015). Collection method: clinical testing. Allele origin: germline.
Comment: This sequence change replaces asparagine, which is neutral and polar, with aspartic acid, which is acidic and polar, at codon 511 of the MYSM1 protein (p.Asn511Asp). The frequency data for this variant in the population databases is considered unreliable, as metrics indicate poor data quality at this position in the gnomAD database. This variant has not been reported in the literature in individuals affected with MYSM1-related conditions. Algorithms developed to predict the effect of missense changes on protein structure and function are either unavailable or do not agree on the potential impact of this missense change (SIFT: "Tolerated"; PolyPhen-2: "Possibly Damaging"; Align-GVGD: "Class C0"). In summary, the available evidence is currently insufficient to determine the role of this variant in disease. Therefore, it has been classified as a Variant of Uncertain Significance.